The following is an entry in ClinVar:

NM_001385012.1(NBEA):c.7963+1G>T

Gene: NBEA (neurobeachin; plus strand). Cytogenetic location: 13q13.3.
Variant type: single nucleotide variant.
Coding change: c.7963+1G>T on transcript NM_001385012.1 (MANE Select); the canonical splice donor site of the intron after coding-DNA position 7963, G replaced by T.
Molecular consequence: splice donor variant.
Genome position (GRCh38, 1-based): chr13:35,649,848, G>T. VCF-style: chr13-35649848-G-T. GRCh37 (hg19) VCF-style: chr13-36223985-G-T.
Other names: c.7900+1G>T (NM_015678.5); c.7954+1G>T (NM_001379245.1); c.1279+1G>T (NM_001204197.3).
Identifiers: ClinVar variation 1676455 (VCV001676455.3), dbSNP rs2153078787, ClinGen allele CA387839569.

ClinVar aggregate classification (germline): Uncertain significance (1 of 4 stars; one submission).

Submission:

Greenwood Genetic Center Diagnostic Laboratories, Greenwood Genetic Center
Classification: Uncertain significance. Last evaluated: 2022-03-01. Review status: criteria provided, single submitter. Criteria: ACMG Guidelines, 2015. Collection method: clinical testing. Allele origin: germline. Affected: yes.
Comment: PM2